The following is an entry in ClinVar:

NM_000465.4(BARD1):c.269C>T (p.Ala90Val)

Gene: BARD1 (BRCA1 associated RING domain 1; minus strand). Cytogenetic location: 2q35.
Variant type: single nucleotide variant.
Coding change: c.269C>T on transcript NM_000465.4 (MANE Select); coding-DNA position 269, C replaced by T.
Protein change: p.Ala90Val; replaces alanine 90 with valine.
Molecular consequence: missense variant. On other transcripts: non-coding transcript variant (1), intron variant (2).
Genome position (GRCh38, 1-based): chr2:214,792,392, G>A on the plus strand (C>T on the coding strand, the complement: BARD1 is on the minus strand). VCF-style: chr2-214792392-G-A. GRCh37 (hg19) VCF-style: chr2-215657116-G-A.
Other names: c.212C>T, p.Ala71Val (NM_001282543.2); c.269C>T, p.Ala90Val (NM_001282549.2); c.158+17020C>T (NM_001282548.2); c.215+4669C>T (NM_001282545.2); c.269C>T (NM_000465.2); short protein forms A71V, A90V.
Identifiers: ClinVar variation 1052200 (VCV001052200.11), dbSNP rs1574839783, ClinGen allele CA350461136.
Genomic context (GRCh38, chr2:214,792,392, plus strand): 5'-TTACTACAAAGTTGAATCATGCTGTCCAGTTGTCTATTTATCTTCAAGTCTTGTATCCAG[G>A]CCGGGGTGTAACACACTGGACATCCAGTTCCAATGCAGTCACTTACACAATTACTTTAAA-3'
Protein context (NP_000456.2, residues 80-100): GTGCPVCYTP[Ala90Val]WIQDLKINRQ

ClinVar aggregate classification (germline): Uncertain significance. Review status: criteria provided, multiple submitters, no conflicts (2 of 4 stars). 2 submissions from 2 submitters: Uncertain significance (2). Last evaluated 2024-10-07.

Conditions:
Hereditary cancer-predisposing syndrome. Also called: Tumor predisposition; Hereditary neoplastic syndrome; Hereditary Cancer Syndrome; Neoplastic Syndromes, Hereditary. Identifiers: Orphanet 140162, MedGen C0027672, MeSH D009386, MONDO:0015356.
Familial cancer of breast. Also called: BREAST CANCER, FAMILIAL; Hereditary breast cancer; hereditary breast carcinoma. Identifiers: Orphanet 227535, MedGen C0346153, MONDO:0016419, OMIM 114480. Disease mechanism: loss of function.

Submissions (2):

Ambry Genetics
Classification: Uncertain significance for Hereditary cancer-predisposing syndrome. Last evaluated: 2024-10-07. Review status: criteria provided, single submitter. Criteria: Ambry Variant Classification Scheme 2023. Collection method: clinical testing. Allele origin: germline.
Comment: The p.A90V variant (also known as c.269C>T), located in coding exon 3 of the BARD1 gene, results from a C to T substitution at nucleotide position 269. The alanine at codon 90 is replaced by valine, an amino acid with similar properties. This amino acid position is conserved. In addition, the in silico prediction for this alteration is inconclusive. Based on the available evidence, the clinical significance of this variant remains unclear.

Labcorp Genetics (formerly Invitae), Labcorp
Classification: Uncertain significance for Familial cancer of breast. Last evaluated: 2020-02-21. Review status: criteria provided, single submitter. Criteria: Invitae Variant Classification Sherloc (09022015). Collection method: clinical testing. Allele origin: germline.
Comment: Algorithms developed to predict the effect of missense changes on protein structure and function (SIFT, PolyPhen-2, Align-GVGD) all suggest that this variant is likely to be disruptive, but these predictions have not been confirmed by published functional studies and their clinical significance is uncertain. In summary, the available evidence is currently insufficient to determine the role of this variant in disease. Therefore, it has been classified as a Variant of Uncertain Significance. Algorithms developed to predict the effect of sequence changes on RNA splicing suggest that this variant may create or strengthen a splice site, but this prediction has not been confirmed by published transcriptional studies. This variant has not been reported in the literature in individuals with BARD1-related conditions. This variant is not present in population databases (ExAC no frequency). This sequence change replaces alanine with valine at codon 90 of the BARD1 protein (p.Ala90Val). The alanine residue is highly conserved and there is a small physicochemical difference between alanine and valine.